The following is an entry in ClinVar:

NM_000301.5(PLG):c.1567C>T (p.Arg523Trp)

Gene: PLG (plasminogen; plus strand). Cytogenetic location: 6q26.
Variant type: single nucleotide variant.
Coding change: c.1567C>T on transcript NM_000301.5 (MANE Select); coding-DNA position 1567, C replaced by T.
Protein change: p.Arg523Trp; replaces arginine 523 with tryptophan.
Molecular consequence: missense variant.
Genome position (GRCh38, 1-based): chr6:160,731,873, C>T. VCF-style: chr6-160731873-C-T. GRCh37 (hg19) VCF-style: chr6-161152905-C-T.
Other names: short protein forms R523W.
Identifiers: ClinVar variation 770367 (VCV000770367.34), dbSNP rs4252129, ClinGen allele CA4087819.

ClinVar aggregate classification (germline): Benign/Likely benign. Review status: criteria provided, multiple submitters, no conflicts (2 of 4 stars). 3 submissions from 3 submitters: Benign (2); Likely benign (1). Last evaluated 2026-02-01.

Conditions:
Plasminogen deficiency, type I. Also called: Hypoplasminogenemia; Type 1 plasminogen deficiency. Identifiers: Orphanet 722, MedGen C1968804, MONDO:0009009, OMIM 217090.
Angioedema, hereditary, 4. Identifiers: MedGen C5543503, MONDO:0025712, OMIM 619360.

Allele frequency attached by ClinVar (database versions not stated): 1000 Genomes Project 30x 0.00234; 1000 Genomes Project 0.00240; gnomAD exomes 0.00657 and 0.01244; ExAC 0.00678; gnomAD 0.00726 and 0.00772; TOPMed 0.00782; ESP Exome Variant Server 0.01007.
gnomAD v4.1: 19,169 of 1,614,034 alleles (1.2%); highest among the groups gnomAD compares: Non-Finnish European, 1.5%; 164 homozygotes.

Submissions (3):

Labcorp Genetics (formerly Invitae), Labcorp
Classification: Benign. Last evaluated: 2026-02-01. Review status: criteria provided, single submitter. Criteria: Invitae Variant Classification Sherloc (09022015). Collection method: clinical testing. Allele origin: germline.

CeGaT Center for Human Genetics Tuebingen
Classification: Benign. Last evaluated: 2023-01-01. Review status: criteria provided, single submitter. Criteria: CeGaT Center For Human Genetics Tuebingen Variant Classification Criteria Version 2. Collection method: clinical testing. Allele origin: germline. Affected: yes. Observed: 1 variant allele.
Comment: PLG: BP4, BS1, BS2

Fulgent Genetics
Classification: Likely benign for Plasminogen deficiency, type I; Angioedema, hereditary, 4. Last evaluated: 2021-08-11. Review status: criteria provided, single submitter. Criteria: ACMG Guidelines, 2015. Collection method: clinical testing. Allele origin: unknown.